The following is an entry in ClinVar:

NM_000540.3(RYR1):c.5116C>G (p.Leu1706Val)

Gene: RYR1 (ryanodine receptor 1; plus strand). Cytogenetic location: 19q13.2.
Variant type: single nucleotide variant.
Coding change: c.5116C>G on transcript NM_000540.3 (MANE Select); coding-DNA position 5116, C replaced by G.
Protein change: p.Leu1706Val; replaces leucine 1706 with valine.
Molecular consequence: missense variant.
Genome position (GRCh38, 1-based): chr19:38,485,771, C>G. VCF-style: chr19-38485771-C-G. GRCh37 (hg19) VCF-style: chr19-38976411-C-G.
Other names: c.5116C>G, p.Leu1706Val (NM_001042723.2); short protein forms L1706V.
Identifiers: ClinVar variation 4685031 (VCV004685031.1).

ClinVar aggregate classification (germline): Uncertain significance (1 of 4 stars; one submission).

Submission:

GeneDx
Classification: Uncertain significance. Last evaluated: 2025-07-10. Review status: criteria provided, single submitter. Criteria: GeneDx Variant Classification Process June 2021. Collection method: clinical testing. Allele origin: germline. Affected: yes.
Comment: Not observed at significant frequency in large population cohorts (gnomAD); In silico analysis supports that this missense variant has a deleterious effect on protein structure/function; Has not been previously published as pathogenic or benign to our knowledge